The following is an entry in ClinVar:

ClinVar aggregate classification (germline): Uncertain significance (1 of 4 stars; one submission).

Submission:

GeneDx
Classification: Uncertain significance. Last evaluated: 2024-02-14. Review status: criteria provided, single submitter. Criteria: GeneDx Variant Classification Process June 2021. Collection method: clinical testing. Allele origin: germline. Affected: yes.
Comment: Has not been previously published as pathogenic or benign to our knowledge; Not observed at significant frequency in large population cohorts (gnomAD); In silico analysis supports that this missense variant has a deleterious effect on protein structure/function

NM_031407.7(HUWE1):c.6455T>C (p.Leu2152Pro)

Gene: HUWE1 (HECT, UBA and WWE domain containing E3 ubiquitin protein ligase 1; minus strand). Cytogenetic location: Xp11.22.
Variant type: single nucleotide variant.
Coding change: c.6455T>C on transcript NM_031407.7 (MANE Select); coding-DNA position 6455, T replaced by C.
Protein change: p.Leu2152Pro; replaces leucine 2152 with proline.
Molecular consequence: missense variant.
Genome position (GRCh38, 1-based): chrX:53,569,685, A>G on the plus strand (T>C on the coding strand, the complement: HUWE1 is on the minus strand). VCF-style: chrX-53569685-A-G. GRCh37 (hg19) VCF-style: chrX-53596645-A-G.
Other names: short protein forms L2152P.
Identifiers: ClinVar variation 3369009 (VCV003369009.1).